The following is an entry in ClinVar:

ClinVar aggregate classification (germline): Uncertain significance (1 of 4 stars; one submission).

Conditions:
Intellectual developmental disorder, autosomal dominant 50, with behavioral abnormalities. Also called: MENTAL RETARDATION, AUTOSOMAL DOMINANT 50; Intellectual disability, autosomal dominant 50. Identifiers: MedGen C4540470, MONDO:0030916, OMIM 617787.

Submission:

Laboratorio de Genetica e Diagnostico Molecular, Hospital Israelita Albert Einstein
Classification: Uncertain significance for Intellectual developmental disorder, autosomal dominant 50, with behavioral abnormalities. Last evaluated: 2026-01-26. Review status: criteria provided, single submitter. Criteria: ACMG Guidelines, 2015. Collection method: clinical testing. Allele origin: germline. Affected: yes.
Comment: ACMG classification criteria: PVS1 strong, PM2 supporting

NM_057175.5(NAA15):c.692-2A>G

Gene: NAA15 (N-alpha-acetyltransferase 15, NatA auxiliary subunit; plus strand). Cytogenetic location: 4q31.1.
Variant type: single nucleotide variant.
Coding change: c.692-2A>G on transcript NM_057175.5 (MANE Select); the canonical splice acceptor site of the intron before coding-DNA position 692, A replaced by G.
Molecular consequence: splice acceptor variant.
Genome position (GRCh38, 1-based): chr4:139,349,460, A>G. VCF-style: chr4-139349460-A-G. GRCh37 (hg19) VCF-style: chr4-140270614-A-G.
Other names: c.692-2A>G (NM_001410842.1).
Identifiers: ClinVar variation 4846862 (VCV004846862.1).